The following is an entry in ClinVar:

ClinVar aggregate classification (germline): Conflicting classifications of pathogenicity. Review status: criteria provided, conflicting classifications (1 of 4 stars). 3 submissions from 3 submitters: Uncertain significance (1); Likely benign (2). Last evaluated 2025-03-25.

Conditions:
Cardiovascular phenotype. Identifiers: MedGen CN230736.
Progressive familial heart block type IB (PFHB1B). Identifiers: Orphanet 871, MedGen C1970298, MONDO:0011474, OMIM 604559.

Allele frequency attached by ClinVar (database versions not stated): gnomAD exomes 0.00001 and 0.00010; gnomAD 0.00002; TOPMed 0.00003; ExAC 0.00013.
gnomAD v4.1: 17 of 1,555,238 alleles (0.0011%); highest among the groups gnomAD compares: East Asian, 0.038%; no homozygotes.

Submissions (3):

Labcorp Genetics (formerly Invitae), Labcorp
Classification: Uncertain significance for Progressive familial heart block type IB. Last evaluated: 2025-03-25. Review status: criteria provided, single submitter. Criteria: Invitae Variant Classification Sherloc (09022015). Collection method: clinical testing. Allele origin: germline.
Comment: This sequence change replaces glycine, which is neutral and non-polar, with arginine, which is basic and polar, at codon 754 of the TRPM4 protein (p.Gly754Arg). The frequency data for this variant in the population databases is considered unreliable, as metrics indicate poor data quality at this position in the gnomAD database. This variant has not been reported in the literature in individuals affected with TRPM4-related conditions. ClinVar contains an entry for this variant (Variation ID: 851063). An algorithm developed to predict the effect of missense changes on protein structure and function outputs the following: PolyPhen-2: "Benign". The arginine amino acid residue is found in multiple mammalian species, which suggests that this missense change does not adversely affect protein function. In summary, the available evidence is currently insufficient to determine the role of this variant in disease. Therefore, it has been classified as a Variant of Uncertain Significance.

Blueprint Genetics
Classification: Likely benign. Last evaluated: 2023-08-04. Review status: criteria provided, single submitter. Criteria: ACMG Guidelines, 2015. Collection method: clinical testing. Allele origin: germline.

Ambry Genetics
Classification: Likely benign for Cardiovascular phenotype. Last evaluated: 2022-12-06. Review status: criteria provided, single submitter. Criteria: Ambry Variant Classification Scheme 2023. Collection method: clinical testing. Allele origin: germline.

NM_017636.4(TRPM4):c.2260G>C (p.Gly754Arg)

Gene: TRPM4 (transient receptor potential cation channel subfamily M member 4; plus strand). Cytogenetic location: 19q13.33.
Variant type: single nucleotide variant.
Coding change: c.2260G>C on transcript NM_017636.4 (MANE Select); coding-DNA position 2260, G replaced by C.
Protein change: p.Gly754Arg; replaces glycine 754 with arginine.
Molecular consequence: missense variant. On other transcripts: intron variant (1).
Genome position (GRCh38, 1-based): chr19:49,196,489, G>C. VCF-style: chr19-49196489-G-C. GRCh37 (hg19) VCF-style: chr19-49699746-G-C.
Other names: c.1915G>C, p.Gly639Arg (NM_001321281.2); c.652G>C, p.Gly218Arg (NM_001321282.2); c.1738G>C, p.Gly580Arg (NM_001321283.2); c.1198G>C, p.Gly400Arg (NM_001321285.2); c.2211-3811G>C (NM_001195227.2); short protein forms G580R, G754R, G218R, G400R, G639R.
Identifiers: ClinVar variation 851063 (VCV000851063.12), dbSNP rs763447325, ClinGen allele CA9569509.